The following is an entry in ClinVar:

ClinVar aggregate classification (germline): Uncertain significance (1 of 4 stars; one submission).

Conditions:
Primary familial hypertrophic cardiomyopathy (HCM). Identifiers: Orphanet 99739, MedGen C0949658, MeSH D024741, MONDO:0024573. Inheritance: Various modes of inheritance.
Dilated cardiomyopathy 1AA (CMD1AA). Also called: CARDIOMYOPATHY, DILATED, 1AA, WITH OR WITHOUT LEFT VENTRICULAR NONCOMPACTION; CARDIOMYOPATHY, FAMILIAL HYPERTROPHIC, 23, WITH OR WITHOUT LEFT VENTRICULAR NONCOMPACTION; Cardiomyopathy, dilated, 1AA, with or without LVNC. Identifiers: Orphanet 154, MedGen C2677338, MONDO:0012808, OMIM 612158.

Submission:

Labcorp Genetics (formerly Invitae), Labcorp
Classification: Uncertain significance for Primary familial hypertrophic cardiomyopathy; Dilated cardiomyopathy 1AA. Last evaluated: 2023-05-17. Review status: criteria provided, single submitter. Criteria: Invitae Variant Classification Sherloc (09022015). Collection method: clinical testing. Allele origin: germline.
Comment: This variant has not been reported in the literature in individuals affected with ACTN2-related conditions. This variant is not present in population databases (gnomAD no frequency). This sequence change creates a premature translational stop signal (p.Cys48*) in the ACTN2 gene. It is expected to result in an absent or disrupted protein product. However, the current clinical and genetic evidence is not sufficient to establish whether loss-of-function variants in ACTN2 cause disease. In summary, the available evidence is currently insufficient to determine the role of this variant in disease. Therefore, it has been classified as a Variant of Uncertain Significance.

NM_001103.4(ACTN2):c.143_144del (p.Trp47_Cys48insTer)

Gene: ACTN2 (actinin alpha 2; plus strand). Cytogenetic location: 1q43.
Variant type: Microsatellite.
Coding change: c.143_144del on transcript NM_001103.4 (MANE Select); coding-DNA positions 143 to 144, 2 bases deleted (GT; older notation c.143_144delGT).
Protein change: p.Trp47_Cys48insTer.
Molecular consequence: nonsense. On other transcripts: non-coding transcript variant (1).
Genome position (GRCh38, 1-based): chr1:236,717,874-236,717,875, GT deleted; deleting any 2 consecutive bases within chr1:236,717,872-236,717,875 gives the same sequence; the c. name uses the placement nearest the transcript's 3' end. VCF-style (leftmost placement, unchanged base first): chr1-236717871-GGT-G. GRCh37 (hg19) VCF-style: chr1-236881171-GGT-G.
Other names: c.143_144del, p.Trp47_Cys48insTer (NM_001278343.2); c.-681_-680GT[1] (NM_001278344.2); c.-806_-805GT[1] (NM_001412150.1).
Identifiers: ClinVar variation 2947864 (VCV002947864.3), dbSNP rs2527534592, ClinGen allele CA2740092628.